The following is an entry in ClinVar:

ClinVar aggregate classification (germline): Uncertain significance (1 of 4 stars; one submission).

Conditions:
Hereditary pancreatitis (PCTT). Also called: Hereditary chronic pancreatitis; PRSS1-Related Hereditary Pancreatitis. Identifiers: Orphanet 676, MedGen C0238339, MONDO:0008185, OMIM 167800.

Allele frequency attached by ClinVar (database versions not stated): gnomAD exomes 0.00378; 1000 Genomes Project 30x 0.11243.

Submission:

Ambry Genetics
Classification: Uncertain significance for Hereditary pancreatitis. Last evaluated: 2023-11-23. Review status: criteria provided, single submitter. Criteria: Ambry Variant Classification Scheme 2023. Collection method: clinical testing. Allele origin: germline.
Comment: The p.K102N variant (also known as c.306G>T), located in coding exon 3 of the PRSS1 gene, results from a G to T substitution at nucleotide position 306. The lysine at codon 102 is replaced by asparagine, an amino acid with similar properties. This amino acid position is conserved. In addition, this alteration is predicted to be tolerated by in silico analysis. Since supporting evidence is limited at this time, the clinical significance of this alteration remains unclear.

NM_002769.5(PRSS1):c.306G>T (p.Lys102Asn)

Genes: PRSS1 (serine protease 1; plus strand), TRB (T cell receptor beta locus; plus strand). Cytogenetic location: 7q34.
Variant type: single nucleotide variant.
Coding change: c.306G>T on transcript NM_002769.5 (MANE Select); coding-DNA position 306, G replaced by T.
Protein change: p.Lys102Asn; replaces lysine 102 with asparagine.
Molecular consequence: missense variant. On other transcripts: non-coding transcript variant (4).
Genome position (GRCh38, 1-based): chr7:142,751,879, G>T. VCF-style: chr7-142751879-G-T. GRCh37 (hg19) VCF-style: chr7-142459730-G-T.
Other names: short protein forms K102N.
Identifiers: ClinVar variation 3222798 (VCV003222798.1), dbSNP rs1373631104, ClinGen allele CA369608751.